The following is an entry in ClinVar:

NM_133259.4(LRPPRC):c.231del (p.Lys78fs)

Gene: LRPPRC (leucine rich pentatricopeptide repeat containing; minus strand). Cytogenetic location: 2p21.
Variant type: Deletion.
Coding change: c.231del on transcript NM_133259.4 (MANE Select); coding-DNA position 231, one base deleted (G; older notation c.231delG).
Protein change: p.Lys78fs; shifts the reading frame from lysine 78.
Molecular consequence: frameshift variant.
Genome position (GRCh38, 1-based): chr2:43,982,353, C deleted on the plus strand (G on the coding strand, the reverse complement: LRPPRC is on the minus strand); the first of 2 consecutive C bases (chr2:43,982,353-43,982,354); deleting either gives the same sequence. VCF-style (leftmost placement, unchanged base first): chr2-43982352-TC-T. GRCh37 (hg19) VCF-style: chr2-44209491-TC-T.
Other names: short protein forms K78fs.
Identifiers: ClinVar variation 2126875 (VCV002126875.4), dbSNP rs2466695464, ClinGen allele CA2580066518.

ClinVar aggregate classification (germline): Pathogenic (1 of 4 stars; one submission).

Submission:

Labcorp Genetics (formerly Invitae), Labcorp
Classification: Pathogenic. Last evaluated: 2022-04-16. Review status: criteria provided, single submitter. Criteria: Invitae Variant Classification Sherloc (09022015). Collection method: clinical testing. Allele origin: germline.
Comment: For these reasons, this variant has been classified as Pathogenic. Algorithms developed to predict the effect of sequence changes on RNA splicing suggest that this variant may disrupt the consensus splice site. This variant has not been reported in the literature in individuals affected with LRPPRC-related conditions. This variant is not present in population databases (gnomAD no frequency). This sequence change creates a premature translational stop signal (p.Lys78Argfs*10) in the LRPPRC gene. It is expected to result in an absent or disrupted protein product. Loss-of-function variants in LRPPRC are known to be pathogenic (PMID: 26510951).

Literature cited by the submitters: PubMed 26510951.